The following is an entry in ClinVar:

ClinVar aggregate classification (germline): Uncertain significance (1 of 4 stars; one submission).

Submission:

Labcorp Genetics (formerly Invitae), Labcorp
Classification: Uncertain significance. Last evaluated: 2022-07-29. Review status: criteria provided, single submitter. Criteria: Invitae Variant Classification Sherloc (09022015). Collection method: clinical testing. Allele origin: germline.
Comment: This sequence change replaces threonine, which is neutral and polar, with alanine, which is neutral and non-polar, at codon 249 of the LRP5 protein (p.Thr249Ala). In summary, the available evidence is currently insufficient to determine the role of this variant in disease. Therefore, it has been classified as a Variant of Uncertain Significance. Advanced modeling of protein sequence and biophysical properties (such as structural, functional, and spatial information, amino acid conservation, physicochemical variation, residue mobility, and thermodynamic stability) performed at Invitae indicates that this missense variant is not expected to disrupt LRP5 protein function. This variant has not been reported in the literature in individuals affected with LRP5-related conditions. This variant is not present in population databases (gnomAD no frequency).

NM_002335.4(LRP5):c.745A>G (p.Thr249Ala)

Gene: LRP5 (LDL receptor related protein 5; plus strand). Cytogenetic location: 11q13.2.
Variant type: single nucleotide variant.
Coding change: c.745A>G on transcript NM_002335.4 (MANE Select); coding-DNA position 745, A replaced by G.
Protein change: p.Thr249Ala; replaces threonine 249 with alanine.
Molecular consequence: missense variant. On other transcripts: 5 prime UTR variant (1).
Genome position (GRCh38, 1-based): chr11:68,363,805, A>G. VCF-style: chr11-68363805-A-G. GRCh37 (hg19) VCF-style: chr11-68131273-A-G.
Other names: c.-1021A>G (NM_001291902.2); short protein forms T249A.
Identifiers: ClinVar variation 1714168 (VCV001714168.5), dbSNP rs2496470058, ClinGen allele CA381611018.